The following is an entry in ClinVar:

NM_004304.5(ALK):c.3881A>C (p.Lys1294Thr)

Gene: ALK (ALK receptor tyrosine kinase; minus strand). Cytogenetic location: 2p23.2.
Variant type: single nucleotide variant.
Coding change: c.3881A>C on transcript NM_004304.5 (MANE Select); coding-DNA position 3881, A replaced by C.
Protein change: p.Lys1294Thr; replaces lysine 1294 with threonine.
Molecular consequence: missense variant.
Genome position (GRCh38, 1-based): chr2:29,207,228, T>G on the plus strand (A>C on the coding strand, the complement: ALK is on the minus strand). VCF-style: chr2-29207228-T-G. GRCh37 (hg19) VCF-style: chr2-29430094-T-G.
Other names: c.677A>C, p.Lys226Thr (NM_001353765.2); short protein forms K1294T, K226T.
Identifiers: ClinVar variation 2969352 (VCV002969352.3), dbSNP rs2148152098, ClinGen allele CA346468866.
Genomic context (GRCh38, chr2:29,207,228, plus strand): 5'-TACCATGTGTCTGTTTTAGAAGTGAATATTCCTTCCATGAAGGCCTCTGGGGGCATCCAC[T>G]TAACTGGCAGCATGGCACAGCCTCCCTTTCTATAGTAGCTCGCCCTGTGGGGAAGGAGAG-3'
Protein context (NP_004295.2, residues 1284-1304): RKGGCAMLPV[Lys1294Thr]WMPPEAFMEG

ClinVar aggregate classification (germline): Uncertain significance (1 of 4 stars; one submission).

Conditions:
Neuroblastoma, susceptibility to, 3. Also called: ALK-Related Neuroblastic Tumor Susceptibility. Identifiers: Orphanet 635, MedGen C2751681, MONDO:0013083, OMIM 613014.

Submission:

Labcorp Genetics (formerly Invitae), Labcorp
Classification: Uncertain significance for Neuroblastoma, susceptibility to, 3. Last evaluated: 2022-12-31. Review status: criteria provided, single submitter. Criteria: Invitae Variant Classification Sherloc (09022015). Collection method: clinical testing. Allele origin: germline.
Comment: In summary, the available evidence is currently insufficient to determine the role of this variant in disease. Therefore, it has been classified as a Variant of Uncertain Significance. Algorithms developed to predict the effect of missense changes on protein structure and function (SIFT, PolyPhen-2, Align-GVGD) all suggest that this variant is likely to be disruptive. This variant has not been reported in the literature in individuals affected with ALK-related conditions. This variant is not present in population databases (gnomAD no frequency). This sequence change replaces lysine, which is basic and polar, with threonine, which is neutral and polar, at codon 1294 of the ALK protein (p.Lys1294Thr).